The following is an entry in ClinVar:

NM_001079843.3(CASZ1):c.3264_3272del (p.1087PPV[1])

Gene: CASZ1 (castor zinc finger 1; minus strand). Cytogenetic location: 1p36.22.
Variant type: Deletion.
Coding change: c.3264_3272del on transcript NM_001079843.3 (MANE Select); coding-DNA positions 3264 to 3272, 9 bases deleted (GGTCCCTCC; older notation c.3264_3272delGGTCCCTCC).
Protein change: p.1087PPV[1].
Molecular consequence: inframe deletion.
Genome position (GRCh38, 1-based): chr1:10,648,026-10,648,034, GGAGGGACC deleted on the plus strand (GGTCCCTCC on the coding strand, the reverse complement: CASZ1 is on the minus strand); deleting any 9 consecutive bases within chr1:10,648,026-10,648,040 gives the same sequence; the c. name uses the placement nearest the transcript's 3' end. VCF-style (leftmost placement, unchanged base first): chr1-10648025-AGGAGGGACC-A. GRCh37 (hg19) VCF-style: chr1-10708082-AGGAGGGACC-A.
Other names: c.3264_3272del, p.1087PPV[1] (NM_017766.5).
Identifiers: ClinVar variation 1971838 (VCV001971838.5), dbSNP rs748876229, ClinGen allele CA584549.

ClinVar aggregate classification (germline): Uncertain significance (1 of 4 stars; one submission).

Submission:

Labcorp Genetics (formerly Invitae), Labcorp
Classification: Uncertain significance. Last evaluated: 2021-12-21. Review status: criteria provided, single submitter. Criteria: Invitae Variant Classification Sherloc (09022015). Collection method: clinical testing. Allele origin: germline.
Comment: In summary, the available evidence is currently insufficient to determine the role of this variant in disease. Therefore, it has been classified as a Variant of Uncertain Significance. Experimental studies and prediction algorithms are not available or were not evaluated, and the functional significance of this variant is currently unknown. This variant has not been reported in the literature in individuals affected with CASZ1-related conditions. This variant is present in population databases (rs748876229, gnomAD 0.007%). This variant, c.3264_3272del, results in the deletion of 3 amino acid(s) of the CASZ1 protein (p.Pro1090_Val1092del), but otherwise preserves the integrity of the reading frame.